The following is an entry in ClinVar:

NM_001292063.2(OTOG):c.4631G>C (p.Gly1544Ala)

Gene: OTOG (otogelin; plus strand). Cytogenetic location: 11p15.1.
Variant type: single nucleotide variant.
Coding change: c.4631G>C on transcript NM_001292063.2 (MANE Select); coding-DNA position 4631, G replaced by C.
Protein change: p.Gly1544Ala; replaces glycine 1544 with alanine.
Molecular consequence: missense variant.
Genome position (GRCh38, 1-based): chr11:17,609,931, G>C. VCF-style: chr11-17609931-G-C. GRCh37 (hg19) VCF-style: chr11-17631478-G-C.
Other names: c.4667G>C, p.Gly1556Ala (NM_001277269.2); c.4667G>C (NM_001277269.1); short protein forms G1556A, G1544A.
Identifiers: ClinVar variation 1425477 (VCV001425477.7), dbSNP rs1014717669, ClinGen allele CA218475474.
Genomic context (GRCh38, chr11:17,609,931, plus strand): 5'-GCCCCACCCAGACCACCCTGCAGCAGCCACTGGAGCTCACTGCATCTCAACTCCCCGCCG[G>C]CCCCACGGAGTCCCCAGCCAGCAAGGGAGTGACTGCCAGCCTCCTGGCCATCCCCCATAC-3'
Protein context (NP_001278992.1, residues 1534-1554): LELTASQLPA[Gly1544Ala]PTESPASKGV

ClinVar aggregate classification (germline): Uncertain significance. Review status: criteria provided, multiple submitters, no conflicts (2 of 4 stars). 4 submissions from 4 submitters: Uncertain significance (4). Last evaluated 2026-09-01.

Conditions:
OTOG-related disorder. Also called: OTOG-related condition.

Allele frequency attached by ClinVar (database versions not stated): gnomAD exomes 0.00013; gnomAD 0.00019.
gnomAD v4.1: 537 of 1,531,396 alleles (0.035%); highest among the groups gnomAD compares: Non-Finnish European, 0.046%; 1 homozygote.

Submissions (4):

GeneDx
Classification: Uncertain significance. Last evaluated: 2026-09-01. Review status: criteria provided, single submitter. Criteria: GeneDx Variant Classification Process June 2021. Collection method: clinical testing. Allele origin: germline.
Comment: In silico analysis supports that this missense variant does not alter protein structure/function; Has not been previously published as pathogenic or benign to our knowledge

PreventionGenetics, part of Exact Sciences
Classification: Uncertain significance for OTOG-related condition. Last evaluated: 2026-02-25. Review status: criteria provided, single submitter. Criteria: ACMG Guidelines, 2015. Collection method: clinical testing. Allele origin: germline.
Comment: The OTOG c.4667G>C variant is predicted to result in the amino acid substitution p.Gly1556Ala. To our knowledge, this variant has not been reported in the literature. This variant is reported in 0.025% of alleles in individuals of European (Non-Finnish) descent in gnomAD. At this time, the clinical significance of this variant is uncertain due to the absence of conclusive functional and genetic evidence.

Blueprint Genetics
Classification: Uncertain significance. Last evaluated: 2024-10-23. Review status: criteria provided, single submitter. Criteria: ACMG Guidelines, 2015. Collection method: clinical testing. Allele origin: germline.

Labcorp Genetics (formerly Invitae), Labcorp
Classification: Uncertain significance. Last evaluated: 2022-10-18. Review status: criteria provided, single submitter. Criteria: Invitae Variant Classification Sherloc (09022015). Collection method: clinical testing. Allele origin: germline.
Comment: This sequence change replaces glycine, which is neutral and non-polar, with alanine, which is neutral and non-polar, at codon 1556 of the OTOG protein (p.Gly1556Ala). This variant is present in population databases (no rsID available, gnomAD 0.03%). This variant has not been reported in the literature in individuals affected with OTOG-related conditions. ClinVar contains an entry for this variant (Variation ID: 1425477). Algorithms developed to predict the effect of missense changes on protein structure and function (SIFT, PolyPhen-2, Align-GVGD) all suggest that this variant is likely to be tolerated. In summary, the available evidence is currently insufficient to determine the role of this variant in disease. Therefore, it has been classified as a Variant of Uncertain Significance.